The following is an entry in ClinVar:

ClinVar aggregate classification (germline): Conflicting classifications of pathogenicity. Review status: criteria provided, conflicting classifications (1 of 4 stars). 2 submissions from 2 submitters: Likely pathogenic (1); Uncertain significance (1). Last evaluated 2021-06-17.

Conditions:
Axenfeld-Rieger syndrome type 3 (RIEG3). Also called: AXENFELD-RIEGER ANOMALY WITH CARDIAC DEFECTS AND/OR SENSORINEURAL HEARING LOSS. Identifiers: Orphanet 782, MedGen C2678503, MONDO:0011233, OMIM 602482.

Submissions (2):

Laboratorio de Genetica e Diagnostico Molecular, Hospital Israelita Albert Einstein
Classification: Uncertain significance. Last evaluated: 2021-06-17. Review status: criteria provided, single submitter. Criteria: ACMG Guidelines, 2015. Collection method: clinical testing. Allele origin: germline. Affected: yes.
Comment: ACMG classification criteria: PM2, PP3

Clinical Genetics Service, Universitary Hospital 12 de Octubre
Classification: Likely pathogenic for Axenfeld-Rieger syndrome type 3. Review status: criteria provided, single submitter. Criteria: ACMG Guidelines, 2015. Collection method: clinical testing. Allele origin: germline. Affected: yes.

NM_001453.3(FOXC1):c.364T>G (p.Trp122Gly)

Gene: FOXC1 (forkhead box C1; plus strand). Cytogenetic location: 6p25.3.
Variant type: single nucleotide variant.
Coding change: c.364T>G on transcript NM_001453.3 (MANE Select); coding-DNA position 364, T replaced by G.
Protein change: p.Trp122Gly; replaces tryptophan 122 with glycine.
Molecular consequence: missense variant.
Genome position (GRCh38, 1-based): chr6:1,610,809, T>G. VCF-style: chr6-1610809-T-G. GRCh37 (hg19) VCF-style: chr6-1611044-T-G.
Other names: short protein forms W122G.
Identifiers: ClinVar variation 1690401 (VCV001690401.3), dbSNP rs2113111593, ClinGen allele CA362558651.